The following is an entry in ClinVar:

ClinVar aggregate classification (germline): Uncertain significance (1 of 4 stars; one submission).

Conditions:
Hereditary breast ovarian cancer syndrome. Also called: Hereditary breast and ovarian cancer syndrome (HBOC); Hereditary breast and ovarian cancer; Breast and ovarian cancer; Hereditary breast and/or ovarian cancer syndrome; BRCA1- and BRCA2-Associated Hereditary Breast and Ovarian Cancer; Hereditary breast and ovarian cancer syndrome. Identifiers: Orphanet 145, MedGen C0677776, MeSH D061325, MONDO:0003582. Disease mechanism: loss of function.

Submission:

Labcorp Genetics (formerly Invitae), Labcorp
Classification: Uncertain significance for Hereditary breast ovarian cancer syndrome. Last evaluated: 2025-12-17. Review status: criteria provided, single submitter. Criteria: Invitae Variant Classification Sherloc (09022015). Collection method: clinical testing. Allele origin: germline.
Comment: This sequence change replaces glutamine, which is neutral and polar, with glutamic acid, which is acidic and polar, at codon 1182 of the BRCA1 protein (p.Gln1182Glu). This variant is not present in population databases (gnomAD no frequency). This variant has not been reported in the literature in individuals affected with BRCA1-related conditions. Invitae Evidence Modeling of protein sequence and biophysical properties (such as structural, functional, and spatial information, amino acid conservation, physicochemical variation, residue mobility, and thermodynamic stability) indicates that this missense variant is not expected to disrupt BRCA1 protein function with a negative predictive value of 80%. In summary, the available evidence is currently insufficient to determine the role of this variant in disease. Therefore, it has been classified as a Variant of Uncertain Significance.

NM_007294.4(BRCA1):c.3544C>G (p.Gln1182Glu)

Genes: BRCA1 (BRCA1 DNA repair associated; minus strand), LOC126862571 (BRD4-independent group 4 enhancer GRCh37_chr17:41243136-41244335; plus strand). Cytogenetic location: 17q21.31.
Variant type: single nucleotide variant.
Coding change: c.3544C>G on transcript NM_007294.4 (MANE Select); coding-DNA position 3544, C replaced by G.
Protein change: p.Gln1182Glu; replaces glutamine 1182 with glutamic acid.
Molecular consequence: missense variant. On other transcripts: intron variant (135).
Genome position (GRCh38, 1-based): chr17:43,091,987, G>C on the plus strand (C>G on the coding strand, the complement: BRCA1 is on the minus strand). VCF-style: chr17-43091987-G-C. GRCh37 (hg19) VCF-style: chr17-41244004-G-C.
Other names: c.407-955C>G (NM_001408510.1); c.3544C>G, p.Gln1182Glu (NM_001407618.1, NM_001407620.1, NM_001407619.1 and 30 more transcripts); c.644-955C>G (NM_001408470.1, NM_001408464.1, NM_001408468.1 and 3 more transcripts); c.647-955C>G (NM_001408469.1, NM_001408453.1, NM_001408461.1 and 11 more transcripts); c.785-955C>G (NM_001408397.1, NM_001408401.1, NM_001408396.1 and 13 more transcripts); c.665-955C>G (NM_001408436.1, NM_001408444.1, NM_001408438.1 and 12 more transcripts); c.788-955C>G (NM_001407980.1, NM_001407993.1, NM_001407976.1 and 17 more transcripts); c.653-955C>G (NM_001408451.1); and 41 more; short protein forms Q1014E, Q1054E, Q1055E, Q1070E, Q1071E, Q1093E, Q1094E, Q1111E.
Identifiers: ClinVar variation 4800834 (VCV004800834.1).